The following is an entry in ClinVar:

ClinVar aggregate classification (germline): Likely benign (1 of 4 stars; one submission).

Allele frequency attached by ClinVar (database versions not stated): gnomAD exomes below 0.00001 and 0.00001; ExAC 0.00001.
gnomAD v4.1: 8 of 1,612,428 alleles (0.0005%); highest among the groups gnomAD compares: Non-Finnish European, 0.00068%; no homozygotes.

Submission:

Laboratory for Molecular Medicine, Mass General Brigham Personalized Medicine
Classification: Likely benign. Last evaluated: 2013-12-06. Review status: criteria provided, single submitter. Criteria: LMM Criteria. Collection method: clinical testing. Allele origin: germline. Observed: 1 variant allele.
Comment: Val12951Val in exon 199 of TTN: This variant is not expected to have clinical si gnificance because it does not alter an amino acid residue and is not located wi thin the splice consensus sequence. Val12951Val in exon 199 of TTN (allele fre quency = n/a)

NM_001267550.2(TTN):c.46557T>G (p.Val15519=)

Genes: TTN (titin; minus strand), TTN-AS1 (TTN antisense RNA 1; plus strand). Cytogenetic location: 2q31.2.
Variant type: single nucleotide variant.
Coding change: c.46557T>G on transcript NM_001267550.2 (MANE Select); coding-DNA position 46557, T replaced by G.
Protein change: p.Val15519=; no amino-acid change (valine 15519 retained).
Molecular consequence: synonymous variant. On other transcripts: non-coding transcript variant (1).
Genome position (GRCh38, 1-based): chr2:178,619,760, A>C on the plus strand (T>G on the coding strand, the complement: TTN is on the minus strand). VCF-style: chr2-178619760-A-C. GRCh37 (hg19) VCF-style: chr2-179484487-A-C.
Other names: c.38853T>G, p.Val12951= (NM_133378.4); c.41634T>G, p.Val13878= (NM_001256850.1); c.19362T>G, p.Val6454= (NM_003319.4); c.19737T>G, p.Val6579= (NM_133432.3); c.19938T>G, p.Val6646= (NM_133437.4).
Identifiers: ClinVar variation 166038 (VCV000166038.5), dbSNP rs727503626, ClinGen allele CA178843.